The following is an entry in ClinVar:

NM_001128431.4(SLC39A14):c.939+8G>C

Gene: SLC39A14 (solute carrier family 39 member 14; plus strand). Cytogenetic location: 8p21.3.
Variant type: single nucleotide variant.
Coding change: c.939+8G>C on transcript NM_001128431.4 (MANE Select); 8 bases into the intron after coding-DNA position 939, G replaced by C.
Molecular consequence: intron variant.
Genome position (GRCh38, 1-based): chr8:22,415,965, G>C. VCF-style: chr8-22415965-G-C. GRCh37 (hg19) VCF-style: chr8-22273478-G-C.
Other names: p.?; c.939+8G>C (NM_015359.4, NM_001135154.3, NM_001351656.2 and 4 more transcripts); c.969+8G>C (NM_001351657.2, NM_001351658.2, NM_001351659.2).
Identifiers: ClinVar variation 1627844 (VCV001627844.15), dbSNP rs137890800, ClinGen allele CA4667475.

ClinVar aggregate classification (germline): Benign/Likely benign. Review status: criteria provided, multiple submitters, no conflicts (2 of 4 stars). 6 submissions from 6 submitters: Benign (3); Likely benign (2). 1 of the submissions does not count toward it. Last evaluated 2026-02-03.

Conditions:
SLC39A14-related disorder. Also called: SLC39A14-related condition.
Hypermanganesemia with dystonia 2 (HMNDYT2). Also called: SLC39A14 Deficiency. Identifiers: Orphanet 521406, MedGen C4310765, MONDO:0014864, OMIM 617013.
Hyperostosis cranialis interna. Also called: Hyperostosis cranalis interna. Identifiers: Orphanet 443098, MedGen C1840404, MONDO:0007765, OMIM 144755, HP:0005890.

Allele frequency attached by ClinVar (database versions not stated): 1000 Genomes Project 0.00699; 1000 Genomes Project 30x 0.00765; ESP Exome Variant Server 0.01215; gnomAD 0.01270 and 0.01283; ExAC 0.01701; gnomAD exomes 0.01772.
gnomAD v4.1: 25,498 of 1,600,706 alleles (1.6%); highest among the groups gnomAD compares: Admixed American, 3.4%; 267 homozygotes.

Submissions (6):

Labcorp Genetics (formerly Invitae), Labcorp
Classification: Benign. Last evaluated: 2026-02-03. Review status: criteria provided, single submitter. Criteria: Invitae Variant Classification Sherloc (09022015). Collection method: clinical testing. Allele origin: germline.

Mayo Clinic Laboratories, Mayo Clinic
Classification: Benign. Last evaluated: 2023-04-20. Review status: criteria provided, single submitter. Criteria: ACMG Guidelines, 2015. Collection method: clinical testing. Allele origin: germline. Observed: 25 variant alleles.
Comment: BS1, BS2, BP4, BP7

Fulgent Genetics
Classification: Likely benign for Hyperostosis cranialis interna; Hypermanganesemia with dystonia 2. Last evaluated: 2021-09-10. Review status: criteria provided, single submitter. Criteria: ACMG Guidelines, 2015. Collection method: clinical testing. Allele origin: unknown.

GeneDx
Classification: Likely benign. Last evaluated: 2021-05-17. Review status: criteria provided, single submitter. Criteria: GeneDx Variant Classification Process June 2021. Collection method: clinical testing. Allele origin: germline. Affected: yes.
Comment: See Variant Classification Assertion Criteria.

Breakthrough Genomics
Classification: Benign. Review status: criteria provided, single submitter. Criteria: ACMG Guidelines, 2015. Collection method: not provided. Allele origin: germline. Inheritance: Autosomal recessive inheritance. Affected: yes.

PreventionGenetics, part of Exact Sciences
Classification: Benign for SLC39A14-related condition. Last evaluated: 2019-09-23. Review status: no assertion criteria provided. Collection method: clinical testing. Allele origin: germline. Not counted in ClinVar's aggregate classification.
Comment: This variant is classified as benign based on ACMG/AMP sequence variant interpretation guidelines (Richards et al. 2015 PMID: 25741868, with internal and published modifications).